The following is an entry in ClinVar:

NM_000444.6(PHEX):c.437-2A>G

Gene: PHEX (phosphate regulating endopeptidase X-linked; plus strand). Cytogenetic location: Xp22.11.
Variant type: single nucleotide variant.
Coding change: c.437-2A>G on transcript NM_000444.6 (MANE Select); the canonical splice acceptor site of the intron before coding-DNA position 437, A replaced by G.
Molecular consequence: splice acceptor variant.
Genome position (GRCh38, 1-based): chrX:22,077,474, A>G. VCF-style: chrX-22077474-A-G. GRCh37 (hg19) VCF-style: chrX-22095592-A-G.
Other names: c.437-2A>G (NM_001282754.2).
Identifiers: ClinVar variation 1071085 (VCV001071085.11), dbSNP rs1929200391, ClinGen allele CA501171.

ClinVar aggregate classification (germline): Pathogenic (1 of 4 stars; one submission).

Submission:

Labcorp Genetics (formerly Invitae), Labcorp
Classification: Pathogenic. Last evaluated: 2022-07-12. Review status: criteria provided, single submitter. Criteria: Invitae Variant Classification Sherloc (09022015). Collection method: clinical testing. Allele origin: germline.
Comment: Disruption of this splice site has been observed in individual(s) with hypophosphatemia (Invitae). This sequence change affects an acceptor splice site in intron 4 of the PHEX gene. It is expected to disrupt RNA splicing. Variants that disrupt the donor or acceptor splice site typically lead to a loss of protein function (PMID: 16199547), and loss-of-function variants in PHEX are known to be pathogenic (PMID: 9097956, 9106524, 19219621). This variant is not present in population databases (gnomAD no frequency). ClinVar contains an entry for this variant (Variation ID: 1071085). Algorithms developed to predict the effect of sequence changes on RNA splicing suggest that this variant may disrupt the consensus splice site. For these reasons, this variant has been classified as Pathogenic.

Literature cited by the submitters: PubMed 16199547; PubMed 9097956; PubMed 9106524; PubMed 19219621.